The following is an entry in ClinVar:

ClinVar aggregate classification (germline): Uncertain significance (1 of 4 stars; one submission).

Submission:

Labcorp Genetics (formerly Invitae), Labcorp
Classification: Uncertain significance. Last evaluated: 2022-08-16. Review status: criteria provided, single submitter. Criteria: Invitae Variant Classification Sherloc (09022015). Collection method: clinical testing. Allele origin: germline.
Comment: This sequence change replaces glycine, which is neutral and non-polar, with arginine, which is basic and polar, at codon 1057 of the CDH23 protein (p.Gly1057Arg). This variant is not present in population databases (gnomAD no frequency). In summary, the available evidence is currently insufficient to determine the role of this variant in disease. Therefore, it has been classified as a Variant of Uncertain Significance. Algorithms developed to predict the effect of missense changes on protein structure and function are either unavailable or do not agree on the potential impact of this missense change (SIFT: "Deleterious"; PolyPhen-2: "Not Available"; Align-GVGD: "Class C15"). ClinVar contains an entry for this variant (Variation ID: 1355081). This variant has not been reported in the literature in individuals affected with CDH23-related conditions.

NM_022124.6(CDH23):c.3169G>C (p.Gly1057Arg)

Gene: CDH23 (cadherin related 23; plus strand). Cytogenetic location: 10q22.1.
Variant type: single nucleotide variant.
Coding change: c.3169G>C on transcript NM_022124.6 (MANE Select); coding-DNA position 3169, G replaced by C.
Protein change: p.Gly1057Arg; replaces glycine 1057 with arginine.
Molecular consequence: missense variant.
Genome position (GRCh38, 1-based): chr10:71,709,160, G>C. VCF-style: chr10-71709160-G-C. GRCh37 (hg19) VCF-style: chr10-73468917-G-C.
Other names: c.3169G>C, p.Gly1057Arg (NM_001171930.2); short protein forms G1057R.
Identifiers: ClinVar variation 1355081 (VCV001355081.6), dbSNP rs2132751384, ClinGen allele CA377143297.
Genomic context (GRCh38, chr10:71,709,160, plus strand): 5'-GGCAACGTGGATGGGAAGTTCAGCGTGGGTTACCGCGATGCCGTTGTGAGAACCGTGGTG[G>C]GCCTGGACCGGGAGACCACAGCCGCCTACATGCTCATCCTGGAGGCCATCGGTATGCACC-3'
Protein context (NP_071407.4, residues 1047-1067): YRDAVVRTVV[Gly1057Arg]LDRETTAAYM